The following is an entry in ClinVar:

NM_006303.4(AIMP2):c.960_*10del (p.Lys320fs)

Genes: AIMP2 (aminoacyl tRNA synthetase complex interacting multifunctional protein 2; plus strand), EIF2AK1 (eukaryotic translation initiation factor 2 alpha kinase 1; minus strand). Cytogenetic location: 7p22.1.
Variant type: Deletion.
Coding change: c.960_*10del on transcript NM_006303.4 (MANE Select); coding-DNA position 960 through 10 bases downstream of the stop codon, 14 bases deleted (GTGAATTGCCGTAA).
Protein change: p.Lys320fs; shifts the reading frame from lysine 320.
Molecular consequence: frameshift variant. On other transcripts: 3 prime UTR variant (2).
Genome position (GRCh38, 1-based): chr7:6,023,688-6,023,701, GTGAATTGCCGTAA deleted; deleting any 14 consecutive bases within chr7:6,023,685-6,023,701 gives the same sequence; the c. name uses the placement nearest the transcript's 3' end. VCF-style (leftmost placement, unchanged base first): chr7-6023684-TTAAGTGAATTGCCG-T. GRCh37 (hg19) VCF-style: chr7-6063315-TTAAGTGAATTGCCG-T.
Other names: c.*975_*988del (NM_001134335.2, NM_014413.4); c.840_*10del, p.Lys280fs (NM_001326606.2); c.753_*10del, p.Lys251fs (NM_001326607.2); c.726_*10del, p.Lys242fs (NM_001326609.2, NM_001326610.2, NM_001326611.3); c.873_*10del, p.Lys291fs (NM_001362785.2); c.828_*10del, p.Lys276fs (NM_001362787.2); short protein forms K291fs, K242fs, K251fs, K276fs, K280fs, K320fs.
Identifiers: ClinVar variation 1403990 (VCV001403990.7), dbSNP rs750210959, ClinGen allele CA4150519.

ClinVar aggregate classification (germline): Uncertain significance. Review status: criteria provided, multiple submitters, no conflicts (2 of 4 stars). 2 submissions from 2 submitters: Uncertain significance (2). Last evaluated 2023-08-10.

Submissions (2):

Labcorp Genetics (formerly Invitae), Labcorp
Classification: Uncertain significance. Last evaluated: 2023-08-10. Review status: criteria provided, single submitter. Criteria: Invitae Variant Classification Sherloc (09022015). Collection method: clinical testing. Allele origin: germline.
Comment: This sequence change creates a premature translational stop signal (p.Lys320Asnfs*2) in the AIMP2 gene. While this is not anticipated to result in nonsense mediated decay, it is expected to disrupt the last 1 amino acid(s) of the AIMP2 protein. This variant is present in population databases (rs750210959, gnomAD 0.01%). This variant has not been reported in the literature in individuals affected with AIMP2-related conditions. ClinVar contains an entry for this variant (Variation ID: 1403990). Experimental studies and prediction algorithms are not available or were not evaluated, and the functional significance of this variant is currently unknown. In summary, the available evidence is currently insufficient to determine the role of this variant in disease. Therefore, it has been classified as a Variant of Uncertain Significance.

Breakthrough Genomics
Classification: Uncertain significance. Review status: criteria provided, single submitter. Criteria: ACMG Guidelines, 2015. Collection method: not provided. Allele origin: germline. Inheritance: Autosomal recessive inheritance. Affected: yes.